The following is an entry in ClinVar:

NM_033026.6(PCLO):c.5483G>A (p.Ser1828Asn)

Gene: PCLO (piccolo presynaptic cytomatrix protein; minus strand). Cytogenetic location: 7q21.11.
Variant type: single nucleotide variant.
Coding change: c.5483G>A on transcript NM_033026.6 (MANE Select); coding-DNA position 5483, G replaced by A.
Protein change: p.Ser1828Asn; replaces serine 1828 with asparagine.
Molecular consequence: missense variant.
Genome position (GRCh38, 1-based): chr7:82,955,470, C>T on the plus strand (G>A on the coding strand, the complement: PCLO is on the minus strand). VCF-style: chr7-82955470-C-T. GRCh37 (hg19) VCF-style: chr7-82584786-C-T.
Other names: c.5483G>A, p.Ser1828Asn (NM_014510.3); short protein forms S1828N.
Identifiers: ClinVar variation 1364671 (VCV001364671.8), dbSNP rs757838145, ClinGen allele CA4320640.
Genomic context (GRCh38, chr7:82,955,470, plus strand): 5'-ATTTCTGCAGCCTGACGTAACTCTTCTGTCGGAGATGCATCTTCAATGGGAGAGAGATTA[C>T]TAGGTGGTGTCTTTGGCCTTTCCCTTCTTCTCTGAGCTCGAAGTTCATCTTTGTCTTTCT-3'
Protein context (NP_149015.2, residues 1818-1838): RRRERPKTPP[Ser1828Asn]NLSPIEDASP

ClinVar aggregate classification (germline): Uncertain significance (1 of 4 stars; one submission).

Allele frequency attached by ClinVar (database versions not stated): ExAC 0.00001; gnomAD 0.00001; gnomAD exomes 0.00001 and 0.00002.
gnomAD v4.1: 5 of 1,613,578 alleles (0.00031%); no homozygotes.

Submission:

Labcorp Genetics (formerly Invitae), Labcorp
Classification: Uncertain significance. Last evaluated: 2021-06-29. Review status: criteria provided, single submitter. Criteria: Invitae Variant Classification Sherloc (09022015). Collection method: clinical testing. Allele origin: germline.
Comment: This variant is present in population databases (rs757838145, ExAC 0.02%). This sequence change replaces serine with asparagine at codon 1828 of the PCLO protein (p.Ser1828Asn). The serine residue is highly conserved and there is a small physicochemical difference between serine and asparagine. This variant has not been reported in the literature in individuals affected with PCLO-related conditions. Algorithms developed to predict the effect of missense changes on protein structure and function are either unavailable or do not agree on the potential impact of this missense change (SIFT: "Deleterious"; PolyPhen-2: "Not Available"; Align-GVGD: "Class C0"). In summary, the available evidence is currently insufficient to determine the role of this variant in disease. Therefore, it has been classified as a Variant of Uncertain Significance.